The following is an entry in ClinVar:

NM_000153.4(GALC):c.1161+1del

Gene: GALC (galactosylceramidase; minus strand). Cytogenetic location: 14q31.3.
Variant type: Deletion.
Coding change: c.1161+1del on transcript NM_000153.4 (MANE Select); the canonical splice donor site of the intron after coding-DNA position 1161, one base deleted (G; older notation c.1161+1delG).
Molecular consequence: splice donor variant.
Genome position (GRCh38, 1-based): chr14:87,963,383, C deleted on the plus strand (G on the coding strand, the reverse complement: GALC is on the minus strand); the first of 2 consecutive C bases (chr14:87,963,383-87,963,384); deleting either gives the same sequence. VCF-style (leftmost placement, unchanged base first): chr14-87963382-AC-A. GRCh37 (hg19) VCF-style: chr14-88429726-AC-A.
Other names: c.1083+1del (NM_001201402.2); c.1092+1del (NM_001201401.2).
Identifiers: ClinVar variation 456711 (VCV000456711.12), dbSNP rs1555381417, ClinGen allele CA658656465.

ClinVar aggregate classification (germline): Likely pathogenic. Review status: criteria provided, single submitter (1 of 4 stars). 2 submissions from 2 submitters: Likely pathogenic (1). 1 of the submissions does not count toward it. Last evaluated 2019-01-17.

Conditions:
Galactosylceramide beta-galactosidase deficiency. Also called: GALACTOCEREBROSIDASE DEFICIENCY; GALC DEFICIENCY; GLOBOID CELL LEUKOENCEPHALOPATHY; Leukodystrophy, Globoid Cell; Krabbe Disease. Identifiers: Orphanet 487, MedGen C0023521, MONDO:0009499, OMIM 245200.

Submissions (2):

Labcorp Genetics (formerly Invitae), Labcorp
Classification: Likely pathogenic for Galactosylceramide beta-galactosidase deficiency. Last evaluated: 2019-01-17. Review status: criteria provided, single submitter. Criteria: Invitae Variant Classification Sherloc (09022015). Collection method: clinical testing. Allele origin: germline.
Comment: In summary, donor and acceptor splice site variants are typically loss-of-function (PMID: 16199547), and loss-of-function variants in GALC are known to be pathogenic (PMID: 9272171, 16607461). However, without additional functional and/or genetic data, this variant has been classified as Likely Pathogenic. This variant is not present in population databases (ExAC no frequency) and has not been reported in the literature in individuals with a GALC-related disease. This sequence change affects a donor splice site in intron 10 of the GALC gene. It is expected to disrupt RNA splicing and likely results in an absent or disrupted protein product.

Natera, Inc.
Classification: Likely pathogenic for Galactosylceramide beta-galactosidase deficiency. Last evaluated: 2017-06-20. Review status: no assertion criteria provided. Collection method: clinical testing. Allele origin: germline. Not counted in ClinVar's aggregate classification.

Literature cited by the submitters: PubMed 16199547 (cited by Labcorp Genetics (formerly Invitae), Labcorp); PubMed 9272171 (cited by Labcorp Genetics (formerly Invitae), Labcorp); PubMed 16607461 (cited by Labcorp Genetics (formerly Invitae), Labcorp).